The following is an entry in ClinVar:

NM_000363.5(TNNI3):c.25-7A>C

Gene: TNNI3 (troponin I3, cardiac type; minus strand). Cytogenetic location: 19q13.42.
Variant type: single nucleotide variant.
Coding change: c.25-7A>C on transcript NM_000363.5 (MANE Select); 7 bases into the intron before coding-DNA position 25, A replaced by C.
Molecular consequence: intron variant.
Genome position (GRCh38, 1-based): chr19:55,157,140, T>G on the plus strand (A>C on the coding strand, the complement: TNNI3 is on the minus strand). VCF-style: chr19-55157140-T-G. GRCh37 (hg19) VCF-style: chr19-55668508-T-G.
Identifiers: ClinVar variation 1095014 (VCV001095014.11), dbSNP rs1171407156, ClinGen allele CA633872286.

ClinVar aggregate classification (germline): Conflicting classifications of pathogenicity. Review status: criteria provided, conflicting classifications (1 of 4 stars). 2 submissions from 2 submitters: Uncertain significance (1); Likely benign (1). Last evaluated 2024-04-16.

Conditions:
Hypertrophic cardiomyopathy. Also called: HYPERTROPHIC MYOCARDIOPATHY. Identifiers: Orphanet 217569, MedGen C0007194, MeSH D002312, MONDO:0005045, HP:0001639.

Allele frequency attached by ClinVar (database versions not stated): gnomAD exomes below 0.00001.
gnomAD v4.1: 1 of 1,598,286 alleles (0.000063%); highest among the groups gnomAD compares: Admixed American, 0.0018%; no homozygotes.

Submissions (2):

All of Us Research Program, National Institutes of Health
Classification: Uncertain significance for Hypertrophic cardiomyopathy. Last evaluated: 2024-04-16. Review status: criteria provided, single submitter. Criteria: ACMG Guidelines, 2015. Collection method: clinical testing. Allele origin: germline. Inheritance: Autosomal dominant inheritance. Observed: 2 variant alleles, 2 heterozygotes.
Comment: This variant causes an A to C nucleotide substitution at the -7 position of intron 2 of the TNNI3 gene. To our knowledge, functional studies have not been reported for this variant. This variant has not been reported in individuals affected with TNNI3-related disorders in the literature. This variant has been identified in 1/218752 chromosomes in the general population by the Genome Aggregation Database (gnomAD). The available evidence is insufficient to determine the role of this variant in disease conclusively. Therefore, this variant is classified as a Variant of Uncertain Significance.

This study involves interpretation of variants in research participants for the purpose of population health screening. Participant phenotype was not available at the time of variant classification. Additional details can be found in publication PMID: 35346344, PMCID: PMC8962531

Labcorp Genetics (formerly Invitae), Labcorp
Classification: Likely benign for Hypertrophic cardiomyopathy. Last evaluated: 2021-06-10. Review status: criteria provided, single submitter. Criteria: Invitae Variant Classification Sherloc (09022015). Collection method: clinical testing. Allele origin: germline.